The following is an entry in ClinVar:

ClinVar aggregate classification (germline): Uncertain significance (1 of 4 stars; one submission).

Conditions:
ALG6-congenital disorder of glycosylation 1C (CDG1C). Also called: CDG Ic; CARBOHYDRATE-DEFICIENT GLYCOPROTEIN SYNDROME, TYPE I, WITH DEFICIENT GLYCOSYLATION OF DOLICHOL-LINKED OLIGOSACCHARIDE; CARBOHYDRATE-DEFICIENT GLYCOPROTEIN SYNDROME, TYPE V; Congenital disorder of glycosylation type 1C; Congenital disorder of glycosylation, type Ic. Identifiers: Orphanet 79320, MedGen C2930997, MONDO:0011291, OMIM 603147.

Allele frequency attached by ClinVar (database versions not stated): ExAC 0.00001; gnomAD 0.00002 and 0.00003; gnomAD exomes 0.00003; TOPMed 0.00004.
gnomAD v4.1: 72 of 1,613,676 alleles (0.0045%); highest among the groups gnomAD compares: African/African-American, 0.015%; 1 homozygote.

Submission:

Labcorp Genetics (formerly Invitae), Labcorp
Classification: Uncertain significance for ALG6-congenital disorder of glycosylation 1C. Last evaluated: 2024-10-24. Review status: criteria provided, single submitter. Criteria: Invitae Variant Classification Sherloc (09022015). Collection method: clinical testing. Allele origin: germline.
Comment: This sequence change replaces proline, which is neutral and non-polar, with leucine, which is neutral and non-polar, at codon 32 of the ALG6 protein (p.Pro32Leu). This variant is present in population databases (rs770413804, gnomAD 0.01%). This variant has not been reported in the literature in individuals affected with ALG6-related conditions. ClinVar contains an entry for this variant (Variation ID: 1493494). Invitae Evidence Modeling of protein sequence and biophysical properties (such as structural, functional, and spatial information, amino acid conservation, physicochemical variation, residue mobility, and thermodynamic stability) has been performed for this missense variant. However, the output from this modeling did not meet the statistical confidence thresholds required to predict the impact of this variant on ALG6 protein function. In summary, the available evidence is currently insufficient to determine the role of this variant in disease. Therefore, it has been classified as a Variant of Uncertain Significance.

NM_013339.4(ALG6):c.95C>T (p.Pro32Leu)

Gene: ALG6 (ALG6 alpha-1,3-glucosyltransferase; plus strand). Cytogenetic location: 1p31.3.
Variant type: single nucleotide variant.
Coding change: c.95C>T on transcript NM_013339.4 (MANE Select); coding-DNA position 95, C replaced by T.
Protein change: p.Pro32Leu; replaces proline 32 with leucine.
Molecular consequence: missense variant.
Genome position (GRCh38, 1-based): chr1:63,396,525, C>T. VCF-style: chr1-63396525-C-T. GRCh37 (hg19) VCF-style: chr1-63862196-C-T.
Other names: short protein forms P32L.
Identifiers: ClinVar variation 1493494 (VCV001493494.6), dbSNP rs770413804, ClinGen allele CA888063.